The following is an entry in ClinVar:

ClinVar aggregate classification (germline): Uncertain significance (0 of 4 stars; one submission).

Conditions:
Gray platelet syndrome (GPS). Also called: BLEEDING DISORDER, PLATELET-TYPE, 4. Identifiers: Orphanet 721, MedGen C0272302, MONDO:0007686, OMIM 139090.

Allele frequency attached by ClinVar (database versions not stated): gnomAD exomes below 0.00001.
gnomAD v4.1: 2 of 1,593,326 alleles (0.00013%); highest among the groups gnomAD compares: Non-Finnish European, 0.00017%; no homozygotes.

Submission:

ISTH-SSC Genomics in Thrombosis and Hemostasis, KU Leuven, Center for Molecular and Vascular Biology
Classification: Uncertain significance for Gray platelet syndrome. Review status: no assertion criteria provided. Collection method: research. Allele origin: unknown. Affected: yes.
Comment: Submitted to GoldVariant by Neil Morgan from Birmingham Platelet Group, Birmingham, UK

NM_015175.3(NBEAL2):c.8164-1G>A

Gene: NBEAL2 (neurobeachin like 2; plus strand). Cytogenetic location: 3p21.31.
Variant type: single nucleotide variant.
Coding change: c.8164-1G>A on transcript NM_015175.3 (MANE Select); the canonical splice acceptor site of the intron before coding-DNA position 8164, G replaced by A.
Molecular consequence: splice acceptor variant.
Genome position (GRCh38, 1-based): chr3:47,009,218, G>A. VCF-style: chr3-47009218-G-A. GRCh37 (hg19) VCF-style: chr3-47050708-G-A.
Other names: c.8062-1G>A (NM_001365116.2).
Identifiers: ClinVar variation 1684438 (VCV001684438.1), dbSNP rs2107465570, ClinGen allele CA352552648.